The following is an entry in ClinVar:

NM_000053.4(ATP7B):c.1686C>T (p.Ser562=)

Gene: ATP7B (ATPase copper transporting beta; minus strand). Cytogenetic location: 13q14.3.
Variant type: single nucleotide variant.
Coding change: c.1686C>T on transcript NM_000053.4 (MANE Select); coding-DNA position 1686, C replaced by T.
Protein change: p.Ser562=; no amino-acid change (serine 562 retained).
Molecular consequence: synonymous variant.
Genome position (GRCh38, 1-based): chr13:51,968,465, G>A on the plus strand (C>T on the coding strand, the complement: ATP7B is on the minus strand). VCF-style: chr13-51968465-G-A. GRCh37 (hg19) VCF-style: chr13-52542601-G-A.
Other names: c.1686C>T, p.Ser562= (NM_001005918.3, NM_001330578.2, NM_001330579.2); c.1353C>T, p.Ser451= (NM_001243182.2).
Identifiers: ClinVar variation 762994 (VCV000762994.45), dbSNP rs138962570, ClinGen allele CA6989276.

ClinVar aggregate classification (germline): Likely benign. Review status: criteria provided, multiple submitters, no conflicts (2 of 4 stars). 8 submissions from 8 submitters: Likely benign (6). 2 of the submissions do not count toward it. Last evaluated 2026-01-28.

Conditions:
ATP7B-related disorder. Also called: ATP7B-related condition.
Wilson disease (WND). Also called: Wilson's disease. Identifiers: Orphanet 905, MedGen C0019202, MONDO:0010200, OMIM 277900. Disease mechanism: loss of function.

Allele frequency attached by ClinVar (database versions not stated): gnomAD 0.00003; gnomAD exomes 0.00004 and 0.00006; TOPMed 0.00005; ExAC 0.00007; 1000 Genomes Project 30x 0.00016; 1000 Genomes Project 0.00020.
gnomAD v4.1: 58 of 1,614,114 alleles (0.0036%); highest among the groups gnomAD compares: Middle Eastern, 0.049%; no homozygotes.

Submissions (8):

Labcorp Genetics (formerly Invitae), Labcorp
Classification: Likely benign for Wilson disease. Last evaluated: 2026-01-28. Review status: criteria provided, single submitter. Criteria: Invitae Variant Classification Sherloc (09022015). Collection method: clinical testing. Allele origin: germline.

Blueprint Genetics
Classification: Likely benign. Last evaluated: 2024-03-12. Review status: criteria provided, single submitter. Criteria: ACMG Guidelines, 2015. Collection method: clinical testing. Allele origin: germline.

All of Us Research Program, National Institutes of Health
Classification: Likely benign for Wilson disease. Last evaluated: 2023-11-30. Review status: criteria provided, single submitter. Criteria: ACMG Guidelines, 2015. Collection method: clinical testing. Allele origin: germline. Inheritance: Autosomal recessive inheritance. Observed: 13 variant alleles, 13 heterozygotes.
Comment: This study involves interpretation of variants in research participants for the purpose of population health screening. Participant phenotype was not available at the time of variant classification. Additional details can be found in publication PMID: 35346344, PMCID: PMC8962531

Color Diagnostics, LLC DBA Color Health
Classification: Likely benign for Wilson disease. Last evaluated: 2022-12-08. Review status: criteria provided, single submitter. Criteria: ACMG Guidelines, 2015. Collection method: clinical testing. Allele origin: germline.

CeGaT Center for Human Genetics Tuebingen
Classification: Likely benign. Last evaluated: 2022-09-01. Review status: criteria provided, single submitter. Criteria: CeGaT Center For Human Genetics Tuebingen Variant Classification Criteria Version 2. Collection method: clinical testing. Allele origin: germline. Affected: yes. Observed: 1 variant allele.
Comment: ATP7B: BP4, BP7

Breakthrough Genomics
Classification: Likely benign. Review status: criteria provided, single submitter. Criteria: ACMG Guidelines, 2015. Collection method: not provided. Allele origin: germline. Inheritance: Autosomal recessive inheritance. Affected: yes.

Natera, Inc.
Classification: Uncertain significance for Wilson disease. Last evaluated: 2020-02-13. Review status: no assertion criteria provided. Collection method: clinical testing. Allele origin: germline. Not counted in ClinVar's aggregate classification.

PreventionGenetics, part of Exact Sciences
Classification: Likely benign for ATP7B-related condition. Last evaluated: 2019-02-28. Review status: no assertion criteria provided. Collection method: clinical testing. Allele origin: germline. Not counted in ClinVar's aggregate classification.
Comment: This variant is classified as likely benign based on ACMG/AMP sequence variant interpretation guidelines (Richards et al. 2015 PMID: 25741868, with internal and published modifications).